The following is an entry in ClinVar:

NM_024598.4(USB1):c.61G>A (p.Gly21Arg)

Gene: USB1 (U6 snRNA biogenesis phosphodiesterase 1; plus strand). Cytogenetic location: 16q21.
Variant type: single nucleotide variant.
Coding change: c.61G>A on transcript NM_024598.4 (MANE Select); coding-DNA position 61, G replaced by A.
Protein change: p.Gly21Arg; replaces glycine 21 with arginine.
Molecular consequence: missense variant. On other transcripts: intron variant (1).
Genome position (GRCh38, 1-based): chr16:58,001,544, G>A. VCF-style: chr16-58001544-G-A. GRCh37 (hg19) VCF-style: chr16-58035448-G-A.
Other names: c.61G>A, p.Gly21Arg (NM_001195302.2, NM_001204911.2, NM_001330569.2); c.-55-935G>A (NM_001330568.2); short protein forms G21R.
Identifiers: ClinVar variation 1002095 (VCV001002095.10), dbSNP rs778756392, ClinGen allele CA8084778.
Genomic context (GRCh38, chr16:58,001,544, plus strand): 5'-ATGAGCGCGGCGCCCCTGGTGGGCTACAGCAGCAGCGGCTCCGAGGATGAGTCCGAGGAC[G>A]GGATGCGGACCAGGCCGGGGGATGGGAGCCACCGTCGGTGAGGAGTGAGGAAGTCTCTCC-3'
Protein context (NP_078874.2, residues 11-31): SSGSEDESED[Gly21Arg]MRTRPGDGSH

ClinVar aggregate classification (germline): Uncertain significance. Review status: criteria provided, multiple submitters, no conflicts (2 of 4 stars). 3 submissions from 3 submitters: Uncertain significance (3). Last evaluated 2025-01-15.

Conditions:
Inborn genetic diseases. Identifiers: MedGen C0950123, MeSH D030342.

Allele frequency attached by ClinVar (database versions not stated): TOPMed 0.00002; ExAC 0.00009.

Submissions (3):

Labcorp Genetics (formerly Invitae), Labcorp
Classification: Uncertain significance. Last evaluated: 2025-01-15. Review status: criteria provided, single submitter. Criteria: Invitae Variant Classification Sherloc (09022015). Collection method: clinical testing. Allele origin: germline.
Comment: This sequence change replaces glycine, which is neutral and non-polar, with arginine, which is basic and polar, at codon 21 of the USB1 protein (p.Gly21Arg). This variant is present in population databases (rs778756392, gnomAD 0.04%). This variant has not been reported in the literature in individuals affected with USB1-related conditions. ClinVar contains an entry for this variant (Variation ID: 1002095). Invitae Evidence Modeling of protein sequence and biophysical properties (such as structural, functional, and spatial information, amino acid conservation, physicochemical variation, residue mobility, and thermodynamic stability) indicates that this missense variant is not expected to disrupt USB1 protein function with a negative predictive value of 80%. In summary, the available evidence is currently insufficient to determine the role of this variant in disease. Therefore, it has been classified as a Variant of Uncertain Significance.

Ambry Genetics
Classification: Uncertain significance for Inborn genetic diseases. Last evaluated: 2024-11-25. Review status: criteria provided, single submitter. Criteria: Ambry Variant Classification Scheme 2023. Collection method: clinical testing. Allele origin: germline.
Comment: The p.G21R variant (also known as c.61G>A), located in coding exon 1 of the USB1 gene, results from a G to A substitution at nucleotide position 61. The glycine at codon 21 is replaced by arginine, an amino acid with dissimilar properties. This amino acid position is conserved. In addition, this alteration is predicted to be tolerated by in silico analysis. Based on the available evidence, the clinical significance of this variant remains unclear.

Mayo Clinic Laboratories, Mayo Clinic
Classification: Uncertain significance. Last evaluated: 2020-03-20. Review status: criteria provided, single submitter. Criteria: ACMG Guidelines, 2015. Collection method: clinical testing. Allele origin: germline. Observed: 1 variant allele.